The following is an entry in ClinVar:

ClinVar aggregate classification (germline): Uncertain significance (1 of 4 stars; one submission).

Submission:

Labcorp Genetics (formerly Invitae), Labcorp
Classification: Uncertain significance. Last evaluated: 2023-07-07. Review status: criteria provided, single submitter. Criteria: Invitae Variant Classification Sherloc (09022015). Collection method: clinical testing. Allele origin: germline.
Comment: ClinVar contains an entry for this variant (Variation ID: 1953807). In summary, the available evidence is currently insufficient to determine the role of this variant in disease. Therefore, it has been classified as a Variant of Uncertain Significance. An algorithm developed to predict the effect of missense changes on protein structure and function (PolyPhen-2) suggests that this variant is likely to be tolerated. This variant has not been reported in the literature in individuals affected with TTBK2-related conditions. This variant is not present in population databases (gnomAD no frequency). This sequence change replaces glycine, which is neutral and non-polar, with valine, which is neutral and non-polar, at codon 904 of the TTBK2 protein (p.Gly904Val).

NM_173500.4(TTBK2):c.2711G>T (p.Gly904Val)

Gene: TTBK2 (tau tubulin kinase 2; minus strand). Cytogenetic location: 15q15.2.
Variant type: single nucleotide variant.
Coding change: c.2711G>T on transcript NM_173500.4 (MANE Select); coding-DNA position 2711, G replaced by T.
Protein change: p.Gly904Val; replaces glycine 904 with valine.
Molecular consequence: missense variant.
Genome position (GRCh38, 1-based): chr15:42,752,535, C>A on the plus strand (G>T on the coding strand, the complement: TTBK2 is on the minus strand). VCF-style: chr15-42752535-C-A. GRCh37 (hg19) VCF-style: chr15-43044733-C-A.
Other names: short protein forms G904V.
Identifiers: ClinVar variation 1953807 (VCV001953807.5), dbSNP rs752842969, ClinGen allele CA269927365.